The following is an entry in ClinVar:

ClinVar aggregate classification (germline): Uncertain significance. Review status: criteria provided, multiple submitters, no conflicts (2 of 4 stars). 2 submissions from 2 submitters: Uncertain significance (2). Last evaluated 2025-10-24.

Allele frequency attached by ClinVar (database versions not stated): gnomAD exomes below 0.00001 and 0.00001; TOPMed 0.00001; ExAC 0.00002; gnomAD 0.00002; 1000 Genomes Project 30x 0.00042; 1000 Genomes Project 0.00053.
gnomAD v4.1: 3 of 1,210,016 alleles (0.00025%); highest among the groups gnomAD compares: Admixed American, 0.0066%; no homozygotes.

Submissions (2):

Ambry Genetics
Classification: Uncertain significance. Last evaluated: 2025-10-24. Review status: criteria provided, single submitter. Criteria: Ambry Variant Classification Scheme 2023. Collection method: clinical testing. Allele origin: germline.

Labcorp Genetics (formerly Invitae), Labcorp
Classification: Uncertain significance. Last evaluated: 2023-10-13. Review status: criteria provided, single submitter. Criteria: Invitae Variant Classification Sherloc (09022015). Collection method: clinical testing. Allele origin: germline.
Comment: This sequence change replaces threonine, which is neutral and polar, with isoleucine, which is neutral and non-polar, at codon 452 of the DRP2 protein (p.Thr452Ile). This variant is present in population databases (rs768046985, gnomAD 0.008%). This variant has not been reported in the literature in individuals affected with DRP2-related conditions. ClinVar contains an entry for this variant (Variation ID: 1408980). Advanced modeling of protein sequence and biophysical properties (such as structural, functional, and spatial information, amino acid conservation, physicochemical variation, residue mobility, and thermodynamic stability) has been performed at Invitae for this missense variant, however the output from this modeling did not meet the statistical confidence thresholds required to predict the impact of this variant on DRP2 protein function. In summary, the available evidence is currently insufficient to determine the role of this variant in disease. Therefore, it has been classified as a Variant of Uncertain Significance.

NM_001939.3(DRP2):c.1355C>T (p.Thr452Ile)

Gene: DRP2 (dystrophin related protein 2; plus strand). Cytogenetic location: Xq22.1.
Variant type: single nucleotide variant.
Coding change: c.1355C>T on transcript NM_001939.3 (MANE Select); coding-DNA position 1355, C replaced by T.
Protein change: p.Thr452Ile; replaces threonine 452 with isoleucine.
Molecular consequence: missense variant.
Genome position (GRCh38, 1-based): chrX:101,248,191, C>T. VCF-style: chrX-101248191-C-T. GRCh37 (hg19) VCF-style: chrX-100503180-C-T.
Other names: c.1121C>T, p.Thr374Ile (NM_001171184.2); c.1355C>T (NM_001939.2); short protein forms T452I, T374I.
Identifiers: ClinVar variation 1408980 (VCV001408980.9), dbSNP rs768046985, ClinGen allele CA10472255.
Genomic context (GRCh38, chrX:101,248,191, plus strand): 5'-AGCATGATCTGCAGGCCAGTGAGCACGTGATGGATGTGGTAGAGGTCATTCACTGCCTGA[C>T]TGCCTTATATGAACGTTTGGAGGAGGAAAGAGGCATCCTGGTCAACGTGCCACTCTGTGT-3'
Protein context (NP_001930.2, residues 442-462): MDVVEVIHCL[Thr452Ile]ALYERLEEER